The following is an entry in ClinVar:

ClinVar aggregate classification (germline): Likely benign. Review status: criteria provided, multiple submitters, no conflicts (2 of 4 stars). 2 submissions from 2 submitters: Likely benign (2). Last evaluated 2025-12-01.

Allele frequency attached by ClinVar (database versions not stated): gnomAD exomes 0.00005 and 0.00016; gnomAD 0.00007; TOPMed 0.00008; ExAC 0.00012.
gnomAD v4.1: 90 of 1,614,104 alleles (0.0056%); highest among the groups gnomAD compares: Middle Eastern, 0.12%; no homozygotes.

Submissions (2):

Labcorp Genetics (formerly Invitae), Labcorp
Classification: Likely benign. Last evaluated: 2025-12-01. Review status: criteria provided, single submitter. Criteria: Invitae Variant Classification Sherloc (09022015). Collection method: clinical testing. Allele origin: germline.

GeneDx
Classification: Likely benign. Last evaluated: 2018-02-21. Review status: criteria provided, single submitter. Criteria: GeneDx Variant Classification (06012015). Collection method: clinical testing. Allele origin: germline. Affected: yes.
Comment: This variant is considered likely benign or benign based on one or more of the following criteria: it is a conservative change, it occurs at a poorly conserved position in the protein, it is predicted to be benign by multiple in silico algorithms, and/or has population frequency not consistent with disease.

NM_002291.3(LAMB1):c.816C>T (p.Phe272=)

Gene: LAMB1 (laminin subunit beta 1; minus strand). Cytogenetic location: 7q31.1.
Variant type: single nucleotide variant.
Coding change: c.816C>T on transcript NM_002291.3 (MANE Select); coding-DNA position 816, C replaced by T.
Protein change: p.Phe272=; no amino-acid change (phenylalanine 272 retained).
Molecular consequence: synonymous variant.
Genome position (GRCh38, 1-based): chr7:107,980,672, G>A on the plus strand (C>T on the coding strand, the complement: LAMB1 is on the minus strand). VCF-style: chr7-107980672-G-A. GRCh37 (hg19) VCF-style: chr7-107621117-G-A.
Identifiers: ClinVar variation 515709 (VCV000515709.8), dbSNP rs562088411, ClinGen allele CA4436188.